The following is an entry in ClinVar:

NM_014112.5(TRPS1):c.3268_3275del (p.His1090fs)

Gene: TRPS1 (transcriptional repressor GATA binding 1; minus strand). Cytogenetic location: 8q23.3.
Variant type: Deletion.
Coding change: c.3268_3275del on transcript NM_014112.5 (MANE Select); coding-DNA positions 3268 to 3275, 8 bases deleted (CACCCAAA; older notation c.3268_3275delCACCCAAA).
Protein change: p.His1090fs; shifts the reading frame from histidine 1090.
Molecular consequence: frameshift variant.
Genome position (GRCh38, 1-based): chr8:115,414,633-115,414,640, TTTGGGTG deleted on the plus strand (CACCCAAA on the coding strand, the reverse complement: TRPS1 is on the minus strand); deleting any 8 consecutive bases within chr8:115,414,633-115,414,643 gives the same sequence; the c. name uses the placement nearest the transcript's 3' end. VCF-style (leftmost placement, unchanged base first): chr8-115414632-ATTTGGGTG-A. GRCh37 (hg19) VCF-style: chr8-116426860-ATTTGGGTG-A.
Other names: c.3241_3248del, p.His1081fs (NM_001282902.3); c.3247_3254del, p.His1083fs (NM_001282903.3); c.3229_3236del, p.His1077fs (NM_001330599.2); short protein forms H1081fs, H1077fs, H1090fs, H1083fs.
Identifiers: ClinVar variation 1452663 (VCV001452663.6), dbSNP rs2129748972, ClinGen allele CA2573142806.
Genomic context (GRCh38, chr8:115,414,632, plus strand): 5'-AAAGGGAAGTCCAAAAAGTGGGTACTGGTACTTTTCAATAGGGCTGCCTGGTGGTGAATA[ATTTGGGTG>A]TTTCGCAGGTCTCATGTACTTTTCTATAGGACTGCCTCTCTCAGAACTTCCTTTCCCTTC-3'

ClinVar aggregate classification (germline): Pathogenic (1 of 4 stars; one submission).

Conditions:
Trichorhinophalangeal syndrome, type III (TRPS3). Also called: SUGIO-KAJII SYNDROME. Identifiers: Orphanet 77258, MedGen C1860823, OMIM 190351, MONDO:0008597.
Trichorhinophalangeal dysplasia type I (TRPS1). Also called: TRPS I; TRICHORHINOPHALANGEAL SYNDROME, TYPE I. Identifiers: Orphanet 77258, MedGen C0432233, MONDO:0008596, OMIM 190350.

Submission:

Labcorp Genetics (formerly Invitae), Labcorp
Classification: Pathogenic for Trichorhinophalangeal syndrome, type III; Trichorhinophalangeal dysplasia type I. Last evaluated: 2024-10-24. Review status: criteria provided, single submitter. Criteria: Invitae Variant Classification Sherloc (09022015). Collection method: clinical testing. Allele origin: germline.
Comment: This sequence change creates a premature translational stop signal (p.His1090Leufs*9) in the TRPS1 gene. While this is not anticipated to result in nonsense mediated decay, it is expected to disrupt the last 205 amino acid(s) of the TRPS1 protein. This variant is not present in population databases (gnomAD no frequency). This variant has not been reported in the literature in individuals affected with TRPS1-related conditions. ClinVar contains an entry for this variant (Variation ID: 1452663). This variant disrupts a region of the TRPS1 protein in which other variant(s) (p.Thr1215Glnfs*27) have been determined to be pathogenic (PMID: 26113321). This suggests that this is a clinically significant region of the protein, and that variants that disrupt it are likely to be disease-causing. For these reasons, this variant has been classified as Pathogenic.

Literature cited by the submitters: PubMed 26113321.